The following is an entry in ClinVar:

ClinVar aggregate classification (germline): Pathogenic (1 of 4 stars; one submission).

Conditions:
Congenital adrenal hyperplasia. Identifiers: Orphanet 418, MedGen C0001627, MONDO:0018479, HP:0008258.

Submission:

Women's Health and Genetics/Laboratory Corporation of America, LabCorp
Classification: Pathogenic for Congenital adrenal hyperplasia. Last evaluated: 2025-01-23. Review status: criteria provided, single submitter. Criteria: LabCorp Variant Classification Summary - May 2015. Collection method: clinical testing. Allele origin: germline.
Comment: Variant summary: CYP11B1 c.1202dupC (p.Leu402IlefsX20) results in a premature termination codon, predicted to cause a truncation of the encoded protein or absence of the protein due to nonsense mediated decay, which are commonly known mechanisms for disease. The variant was absent in 251466 control chromosomes. To our knowledge, no occurrence of c.1202dupC in individuals affected with Congenital Adrenal Hyperplasia and no experimental evidence demonstrating its impact on protein function have been reported. No submitters have cited clinical-significance assessments for this variant to ClinVar. Based on the evidence outlined above, the variant was classified as pathogenic.

NM_000497.4(CYP11B1):c.1202dup (p.Leu402fs)

Genes: CYP11B1 (cytochrome P450 family 11 subfamily B member 1; minus strand), LOC106799833 (CYP11B1 recombination region; plus strand). Cytogenetic location: 8q24.3.
Variant type: Duplication.
Coding change: c.1202dup on transcript NM_000497.4 (MANE Select); coding-DNA position 1202, one base duplicated (C; older notation c.1202dupC).
Protein change: p.Leu402fs; shifts the reading frame from leucine 402.
Molecular consequence: frameshift variant. On other transcripts: intron variant (1).
Genome position (GRCh38, 1-based): chr8:142,875,153, G duplicated on the plus strand (C on the coding strand, the reverse complement: CYP11B1 is on the minus strand). VCF-style (leftmost placement, unchanged base first): chr8-142875152-T-TG. GRCh37 (hg19) VCF-style: chr8-143956568-T-TG.
Other names: c.1200+81dup (NM_001026213.1); c.1202dupC (NM_000497.4); short protein forms L402fs.
Identifiers: ClinVar variation 3769460 (VCV003769460.2).